The following is an entry in ClinVar:

NC_000020.11:g.63413573_63413582del

Gene: KCNQ2 (potassium voltage-gated channel subfamily Q member 2; minus strand). Cytogenetic location: 20q13.33.
Variant type: Deletion.
Genome position: GRCh38 VCF-style: chr20-63413570-AACCGCATGAC-A. GRCh37 (hg19) VCF-style: chr20-62044923-AACCGCATGAC-A.
Identifiers: ClinVar variation 4723837 (VCV004723837.1).
Genomic context (GRCh38, chr20:63,413,570, plus strand): 5'-ATGACGTCCATCACGTCGTAGGGCCGCAGGCTCTCCTTGAACTTCCGCTTGGACACCAGG[AACCGCATGAC>A]ACTGCAGGGGGGTGGGTGGGGCTGTGAGCCCTGGGCCAGAGACCCCCGGCCACAGGCACC-3'

ClinVar aggregate classification (germline): Pathogenic (1 of 4 stars; one submission).

Conditions:
Early-infantile DEE. Also called: Early infantile epileptic encephalopathy; Ohtahara syndrome; Early infantile epileptic encephalopathy with suppression bursts. Identifiers: Orphanet 1934, MedGen C0393706, MONDO:0800491.

Submission:

Labcorp Genetics (formerly Invitae), Labcorp
Classification: Pathogenic for Early-infantile DEE. Last evaluated: 2025-07-23. Review status: criteria provided, single submitter. Criteria: Invitae Variant Classification Sherloc (09022015). Collection method: clinical testing. Allele origin: germline.
Comment: This sequence change creates a premature translational stop signal (p.Val545Serfs*17) in the KCNQ2 gene. It is expected to result in an absent or disrupted protein product. Loss-of-function variants in KCNQ2 are known to be pathogenic (PMID: 14534157, 23692823, 27779742). This variant is not present in population databases (gnomAD no frequency). This variant has not been reported in the literature in individuals affected with KCNQ2-related conditions. For these reasons, this variant has been classified as Pathogenic.

Literature cited by the submitters: PubMed 14534157; PubMed 23692823; PubMed 27779742.